The following is an entry in ClinVar:

NM_173598.6(KSR2):c.316C>T (p.Leu106=)

Gene: KSR2 (kinase suppressor of ras 2; minus strand). Cytogenetic location: 12q24.23.
Variant type: single nucleotide variant.
Coding change: c.316C>T on transcript NM_173598.6 (MANE Select); coding-DNA position 316, C replaced by T.
Protein change: p.Leu106=; no amino-acid change (leucine 106 retained).
Molecular consequence: synonymous variant.
Genome position (GRCh38, 1-based): chr12:117,860,296, G>A on the plus strand (C>T on the coding strand, the complement: KSR2 is on the minus strand). VCF-style: chr12-117860296-G-A. GRCh37 (hg19) VCF-style: chr12-118298101-G-A.
Identifiers: ClinVar variation 4980646 (VCV004980646.1).

ClinVar aggregate classification (germline): Likely benign (1 of 4 stars; one submission).

Conditions:
KSR2-related disorder. Also called: KSR2-related condition.

Submission:

PreventionGenetics, part of Exact Sciences
Classification: Likely benign for KSR2-related condition. Last evaluated: 2024-10-25. Review status: criteria provided, single submitter. Criteria: ACMG Guidelines, 2015. Collection method: clinical testing. Allele origin: germline.
Comment: This variant is classified as likely benign based on ACMG/AMP sequence variant interpretation guidelines (Richards et al. 2015 PMID: 25741868, with internal and published modifications).